The following is an entry in ClinVar:

NM_005359.6(SMAD4):c.106G>T (p.Ala36Ser)

Gene: SMAD4 (SMAD family member 4; plus strand). Cytogenetic location: 18q21.2.
Variant type: single nucleotide variant.
Coding change: c.106G>T on transcript NM_005359.6 (MANE Select); coding-DNA position 106, G replaced by T.
Protein change: p.Ala36Ser; replaces alanine 36 with serine.
Molecular consequence: missense variant. On other transcripts: non-coding transcript variant (2).
Genome position (GRCh38, 1-based): chr18:51,047,152, G>T. VCF-style: chr18-51047152-G-T. GRCh37 (hg19) VCF-style: chr18-48573522-G-T.
Other names: c.106G>T, p.Ala36Ser (NM_001407041.1, NM_001407042.1, NM_001407043.1); short protein forms A36S.
Identifiers: ClinVar variation 2635470 (VCV002635470.4), dbSNP rs2144400945, ClinGen allele CA402457660.

ClinVar aggregate classification (germline): Uncertain significance (1 of 4 stars; one submission).

Conditions:
SMAD4-related disorder. Also called: SMAD4-related condition; SMAD4-Related disorders.

Submission:

PreventionGenetics, part of Exact Sciences
Classification: Uncertain significance for SMAD4-related condition. Last evaluated: 2025-04-04. Review status: criteria provided, single submitter. Criteria: ACMG Guidelines, 2015. Collection method: clinical testing. Allele origin: germline.
Comment: The SMAD4 c.106G>T variant is predicted to result in the amino acid substitution p.Ala36Ser. To our knowledge, this variant has not been reported in the literature or in a large population database (gnomAD), indicating this variant is rare. This variant is listed as a variant of uncertain significance in ClinVar. At this time, the clinical significance of this variant is uncertain due to the absence of conclusive functional and genetic evidence.